The following is an entry in ClinVar:

NM_000260.4(MYO7A):c.2825_2833del (p.Met942_Asp944del)

Gene: MYO7A (myosin VIIA; plus strand). Cytogenetic location: 11q13.5.
Variant type: Deletion.
Coding change: c.2825_2833del on transcript NM_000260.4 (MANE Select); coding-DNA positions 2825 to 2833, 9 bases deleted (TGGTGGACA; older notation c.2825_2833delTGGTGGACA).
Protein change: p.Met942_Asp944del.
Molecular consequence: inframe deletion.
Genome position (GRCh38, 1-based): chr11:77,181,510-77,181,518, TGGTGGACA deleted; deleting any 9 consecutive bases within chr11:77,181,506-77,181,518 gives the same sequence; the c. name uses the placement nearest the transcript's 3' end. VCF-style (leftmost placement, unchanged base first): chr11-77181505-AGACATGGTG-A. GRCh37 (hg19) VCF-style: chr11-76892551-AGACATGGTG-A.
Other names: c.2825_2833del, p.Met942_Asp944del (NM_001127180.2); c.2792_2800del, p.Met931_Asp933del (NM_001369365.1).
Identifiers: ClinVar variation 2089709 (VCV002089709.4), dbSNP rs2497204772, ClinGen allele CA2580084947.

ClinVar aggregate classification (germline): Uncertain significance (1 of 4 stars; one submission).

Submission:

Labcorp Genetics (formerly Invitae), Labcorp
Classification: Uncertain significance. Last evaluated: 2025-07-03. Review status: criteria provided, single submitter. Criteria: Invitae Variant Classification Sherloc (09022015). Collection method: clinical testing. Allele origin: germline.
Comment: This variant, c.2825_2833del, results in the deletion of 3 amino acid(s) of the MYO7A protein (p.Met942_Asp944del), but otherwise preserves the integrity of the reading frame. This variant is not present in population databases (gnomAD no frequency). This variant has not been reported in the literature in individuals affected with MYO7A-related conditions. ClinVar contains an entry for this variant (Variation ID: 2089709). Experimental studies and prediction algorithms are not available or were not evaluated, and the functional significance of this variant is currently unknown. In summary, the available evidence is currently insufficient to determine the role of this variant in disease. Therefore, it has been classified as a Variant of Uncertain Significance.